The following is an entry in ClinVar:

ClinVar aggregate classification (germline): Uncertain significance (1 of 4 stars; one submission).

Submission:

GeneDx
Classification: Uncertain significance. Last evaluated: 2025-06-26. Review status: criteria provided, single submitter. Criteria: GeneDx Variant Classification Process June 2021. Collection method: clinical testing. Allele origin: germline. Affected: yes.
Comment: Not observed at significant frequency in large population cohorts (gnomAD); In-frame duplication of 1 amino acid(s) in a non-repeat region; Has not been previously published as pathogenic or benign to our knowledge

NM_024721.5(ZFHX4):c.3865ATG[3] (p.Met1290_Pro1291insMet)

Gene: ZFHX4 (zinc finger homeobox 4; plus strand). Cytogenetic location: 8q21.13.
Variant type: Microsatellite.
Coding change: c.3865ATG[3] on transcript NM_024721.5 (MANE Select); three copies in a row of the 3-base unit ATG starting at c.3865; the reference has two copies in a row; one copy, 3 bases duplicated.
Protein change: p.Met1290_Pro1291insMet.
Genome position (GRCh38, 1-based): chr8:76,850,266-76,850,268, ATG duplicated; duplicating any 3 consecutive bases within chr8:76,850,261-76,850,268 gives the same sequence; the position shown is the placement nearest the transcript's 3' end. VCF-style (leftmost placement, unchanged base first): chr8-76850260-G-GTGA. GRCh37 (hg19) VCF-style: chr8-77762496-G-GTGA.
Other names: c.3787ATG[3], p.Met1264_Pro1265insMet (NM_001410934.1).
Identifiers: ClinVar variation 4540270 (VCV004540270.1).